The following is an entry in ClinVar:

NM_001040108.2(MLH3):c.1955C>T (p.Thr652Ile)

Gene: MLH3 (mutL homolog 3; minus strand). Cytogenetic location: 14q24.3.
Variant type: single nucleotide variant.
Coding change: c.1955C>T on transcript NM_001040108.2 (MANE Select); coding-DNA position 1955, C replaced by T.
Protein change: p.Thr652Ile; replaces threonine 652 with isoleucine.
Molecular consequence: missense variant.
Genome position (GRCh38, 1-based): chr14:75,047,701, G>A on the plus strand (C>T on the coding strand, the complement: MLH3 is on the minus strand). VCF-style: chr14-75047701-G-A. GRCh37 (hg19) VCF-style: chr14-75514404-G-A.
Other names: c.1955C>T, p.Thr652Ile (NM_014381.3); short protein forms T652I.
Identifiers: ClinVar variation 939291 (VCV000939291.20), dbSNP rs769332499, ClinGen allele CA7275788.

ClinVar aggregate classification (germline): Uncertain significance. Review status: criteria provided, multiple submitters, no conflicts (2 of 4 stars). 4 submissions from 4 submitters: Uncertain significance (4). Last evaluated 2025-12-15.

Conditions:
Colorectal cancer, hereditary nonpolyposis, type 7. Identifiers: Orphanet 144, MedGen C1858380, MONDO:0013725, OMIM 614385.

Allele frequency attached by ClinVar (database versions not stated): gnomAD exomes below 0.00001 and 0.00001; ExAC 0.00001; gnomAD 0.00001; TOPMed 0.00001.

Submissions (4):

Ambry Genetics
Classification: Uncertain significance. Last evaluated: 2025-12-15. Review status: criteria provided, single submitter. Criteria: Ambry Variant Classification Scheme 2023. Collection method: clinical testing. Allele origin: germline.

Center for Genomic Medicine, Rigshospitalet, Copenhagen University Hospital
Classification: Uncertain significance. Last evaluated: 2025-03-04. Review status: criteria provided, single submitter. Criteria: ACMG Guidelines, 2015. Collection method: clinical testing. Allele origin: germline.

Labcorp Genetics (formerly Invitae), Labcorp
Classification: Uncertain significance for Colorectal cancer, hereditary nonpolyposis, type 7. Last evaluated: 2024-09-21. Review status: criteria provided, single submitter. Criteria: Invitae Variant Classification Sherloc (09022015). Collection method: clinical testing. Allele origin: germline.
Comment: This sequence change replaces threonine, which is neutral and polar, with isoleucine, which is neutral and non-polar, at codon 652 of the MLH3 protein (p.Thr652Ile). This variant is present in population databases (rs769332499, gnomAD 0.003%). This variant has not been reported in the literature in individuals affected with MLH3-related conditions. ClinVar contains an entry for this variant (Variation ID: 939291). An algorithm developed to predict the effect of missense changes on protein structure and function outputs the following: PolyPhen-2: "Benign". The isoleucine amino acid residue is found in multiple mammalian species, which suggests that this missense change does not adversely affect protein function. In summary, the available evidence is currently insufficient to determine the role of this variant in disease. Therefore, it has been classified as a Variant of Uncertain Significance.

KCCC/NGS Laboratory, Kuwait Cancer Control Center
Classification: Uncertain significance for Colorectal cancer, hereditary nonpolyposis, type 7. Last evaluated: 2023-07-04. Review status: criteria provided, single submitter. Criteria: ACMG Guidelines, 2015. Collection method: clinical testing. Allele origin: unknown. Inheritance: Autosomal dominant inheritance. Affected: yes.
Comment: This sequence change replaces threonine, which is neutral and polar, with isoleucine, which is neutral and non-polar, at codon 652 of the MLH3 protein (p.Thr652Ile). This variant is present in population databases (rs769332499, gnomAD 0.003%). This variant has not been reported in the literature in individuals affected with MLH3-related conditions. ClinVar contains an entry for this variant (Variation ID: 939291). Algorithms developed to predict the effect of missense changes on protein structure and function output the following: SIFT: "Tolerated"; PolyPhen-2: "Benign". In addition, this alteration is predicted to be tolerated by in silico analysis. In summary, the available evidence is currently insufficient to determine the role of this variant in disease. Therefore, it has been classified as a Variant of Uncertain Significance.